The following is an entry in ClinVar:

NM_014994.3(MAPKBP1):c.204A>T (p.Ala68=)

Gene: MAPKBP1 (mitogen-activated protein kinase binding protein 1; plus strand). Cytogenetic location: 15q15.1.
Variant type: single nucleotide variant.
Coding change: c.204A>T on transcript NM_014994.3 (MANE Select); coding-DNA position 204, A replaced by T.
Protein change: p.Ala68=; no amino-acid change (alanine 68 retained).
Molecular consequence: synonymous variant. On other transcripts: non-coding transcript variant (1).
Genome position (GRCh38, 1-based): chr15:41,799,912, A>T. VCF-style: chr15-41799912-A-T. GRCh37 (hg19) VCF-style: chr15-42092110-A-T.
Other names: c.204A>T, p.Ala68= (NM_001128608.2, NM_001265611.2).
Identifiers: ClinVar variation 3778067 (VCV003778067.7).

ClinVar aggregate classification (germline): Likely benign (1 of 4 stars; one submission).

Submission:

CeGaT Center for Human Genetics Tuebingen
Classification: Likely benign. Last evaluated: 2025-03-01. Review status: criteria provided, single submitter. Criteria: CeGaT Center For Human Genetics Tuebingen Variant Classification Criteria Version 2. Collection method: clinical testing. Allele origin: germline. Affected: yes. Observed: 1 variant allele.
Comment: MAPKBP1: PM2:Supporting, BP4, BP7